The following is an entry in ClinVar:

ClinVar aggregate classification (germline): Uncertain significance. Review status: criteria provided, multiple submitters, no conflicts (2 of 4 stars). 2 submissions from 2 submitters: Uncertain significance (2). Last evaluated 2024-09-08.

Conditions:
Hypertrophic cardiomyopathy. Also called: HYPERTROPHIC MYOCARDIOPATHY. Identifiers: Orphanet 217569, MedGen C0007194, MeSH D002312, MONDO:0005045, HP:0001639.

Submissions (2):

Molecular Genetics, Royal Melbourne Hospital
Classification: Uncertain significance for Hypertrophic cardiomyopathy. Last evaluated: 2024-09-08. Review status: criteria provided, single submitter. Criteria: ACMG Guidelines, 2015. Collection method: clinical testing. Allele origin: germline. Inheritance: Autosomal dominant inheritance. Affected: yes.
Comment: This sequence change in MYH7 is predicted to replace aspartic acid with tyrosine at codon 41, p.(Asp41Tyr). The aspartic acid residue is moderately conserved (100 vertebrates, Multiz Alignments), and is located in the myosin N-terminal SH3-like domain. There is a large physicochemical difference between aspartic acid and tyrosine. MYH7, in which the variant was identified, is a gene with a low rate of benign missense variation, and pathogenic missense variants are a common mechanism of disease (PMID: 37652022). This variant is absent from the population database gnomAD v4.1. To our knowledge, this variant has not been previously reported in the relevant scientific literature. Computational evidence predicts a deleterious effect for the missense substitution (REVEL = 0.77) and predicts an impact on splicing (SpliceAI) for the nucleotide change. RNA assays have not been conducted to confirm this prediction. Based on the classification scheme RMH Modified ACMG/AMP Guidelines v1.7.0, this variant is classified as a VARIANT OF UNCERTAIN SIGNIFICANCE. Following criteria are met: PM2_Supporting, PP2, PP3.

CeGaT Center for Human Genetics Tuebingen
Classification: Uncertain significance. Last evaluated: 2024-05-01. Review status: criteria provided, single submitter. Criteria: CeGaT Center For Human Genetics Tuebingen Variant Classification Criteria Version 2. Collection method: clinical testing. Allele origin: germline. Affected: yes. Observed: 1 variant allele.
Comment: MYH7: PM2

Literature cited by the submitters: PubMed 37652022 (cited by Molecular Genetics, Royal Melbourne Hospital).

NM_000257.4(MYH7):c.121G>T (p.Asp41Tyr)

Gene: MYH7 (myosin heavy chain 7; minus strand). Cytogenetic location: 14q11.2.
Variant type: single nucleotide variant.
Coding change: c.121G>T on transcript NM_000257.4 (MANE Select); coding-DNA position 121, G replaced by T.
Protein change: p.Asp41Tyr; replaces aspartic acid 41 with tyrosine.
Molecular consequence: missense variant.
Genome position (GRCh38, 1-based): chr14:23,433,612, C>A on the plus strand (G>T on the coding strand, the complement: MYH7 is on the minus strand). VCF-style: chr14-23433612-C-A. GRCh37 (hg19) VCF-style: chr14-23902821-C-A.
Other names: c.121G>T, p.Asp41Tyr (NM_001407004.1); short protein forms D41Y.
Identifiers: ClinVar variation 3239396 (VCV003239396.20), dbSNP rs1157169154.